The following is an entry in ClinVar:

ClinVar aggregate classification (germline): Benign (1 of 4 stars; one submission).

Conditions:
MELAS syndrome (MELAS). Also called: Juvenile myopathy, encephalopathy, lactic acidosis, stroke. Identifiers: Orphanet 550, MedGen C0162671, MONDO:0010789, OMIM 540000.

Submission:

Wong Mito Lab, Molecular and Human Genetics, Baylor College of Medicine
Classification: Benign for MELAS syndrome. Last evaluated: 2019-07-12. Review status: criteria provided, single submitter. Criteria: Modified ACMG Guidelines (Unpublished). Collection method: clinical testing. Allele origin: germline.
Comment: The NC_012920.1:m.15936A>T variant in MT-TT gene is interpreted to be a Benign variant based on the modified ACMG guidelines (unpublished). This variant meets the following evidence codes reported in the guidelines: BS1, BS2, BP4

Literature cited by the submitters: PubMed 31965079.

NC_012920.1(MT-TT):m.15936A>T

Gene: MT-TT (mitochondrially encoded tRNA threonine; plus strand).
Variant type: single nucleotide variant.
Genome position: chrM-15936-A-T.
Identifiers: ClinVar variation 690243 (VCV000690243.1), dbSNP rs1556424701, ClinGen allele CA913175246.